The following is an entry in ClinVar:

NM_000264.5(PTCH1):c.3148C>G (p.Pro1050Ala)

Gene: PTCH1 (patched 1; minus strand). Cytogenetic location: 9q22.32.
Variant type: single nucleotide variant.
Coding change: c.3148C>G on transcript NM_000264.5 (MANE Select); coding-DNA position 3148, C replaced by G.
Protein change: p.Pro1050Ala; replaces proline 1050 with alanine.
Molecular consequence: missense variant. On other transcripts: non-coding transcript variant (1).
Genome position (GRCh38, 1-based): chr9:95,458,033, G>C on the plus strand (C>G on the coding strand, the complement: PTCH1 is on the minus strand). VCF-style: chr9-95458033-G-C. GRCh37 (hg19) VCF-style: chr9-98220315-G-C.
Other names: c.2950C>G, p.Pro984Ala (NM_001083602.3); c.3145C>G, p.Pro1049Ala (NM_001083603.3); c.2695C>G, p.Pro899Ala (NM_001083604.3, NM_001083605.3, NM_001083606.3 and 1 more transcripts); c.2992C>G, p.Pro998Ala (NM_001354918.2); short protein forms P1049A, P1050A, P984A, P899A, P998A.
Identifiers: ClinVar variation 5027483 (VCV005027483.1).

ClinVar aggregate classification (germline): Uncertain significance (1 of 4 stars; one submission).

Conditions:
Hereditary cancer-predisposing syndrome. Also called: Neoplastic Syndromes, Hereditary; Tumor predisposition; Hereditary neoplastic syndrome; Hereditary Cancer Syndrome. Identifiers: Orphanet 140162, MedGen C0027672, MeSH D009386, MONDO:0015356.

Submission:

Ambry Genetics
Classification: Uncertain significance for Hereditary cancer-predisposing syndrome. Last evaluated: 2026-07-06. Review status: criteria provided, single submitter. Criteria: Ambry Variant Classification Scheme 2023. Collection method: clinical testing. Allele origin: germline.
Comment: The p.P984A variant (also known as c.2950C>G), located in coding exon 18 of the PTCH1 gene, results from a C to G substitution at nucleotide position 2950. The proline at codon 984 is replaced by alanine, an amino acid with highly similar properties. This amino acid position is conserved. In addition, this alteration is predicted to be deleterious by in silico analysis. Based on the available evidence, the clinical significance of this variant remains unclear.